The following is an entry in ClinVar:

ClinVar aggregate classification (germline): Uncertain significance (1 of 4 stars; one submission).

Submission:

CeGaT Center for Human Genetics Tuebingen
Classification: Uncertain significance. Last evaluated: 2024-06-01. Review status: criteria provided, single submitter. Criteria: CeGaT Center For Human Genetics Tuebingen Variant Classification Criteria Version 2. Collection method: clinical testing. Allele origin: germline. Affected: yes. Observed: 1 variant allele.
Comment: C1S: PM2, BP4

NM_001734.5(C1S):c.1082T>A (p.Ile361Asn)

Gene: C1S (complement C1s; plus strand). Cytogenetic location: 12p13.31.
Variant type: single nucleotide variant.
Coding change: c.1082T>A on transcript NM_001734.5 (MANE Select); coding-DNA position 1082, T replaced by A.
Protein change: p.Ile361Asn; replaces isoleucine 361 with asparagine.
Molecular consequence: missense variant.
Genome position (GRCh38, 1-based): chr12:7,067,658, T>A. VCF-style: chr12-7067658-T-A. GRCh37 (hg19) VCF-style: chr12-7174962-T-A.
Other names: c.581T>A, p.Ile194Asn (NM_001346850.2); c.1082T>A, p.Ile361Asn (NM_201442.4); short protein forms I194N, I361N.
Identifiers: ClinVar variation 3251163 (VCV003251163.18), dbSNP rs2539603312.